The following is an entry in ClinVar:

ClinVar aggregate classification (germline): Uncertain significance (1 of 4 stars; one submission).

gnomAD v4.1: 2 of 1,594,654 alleles (0.00013%); highest among the groups gnomAD compares: Non-Finnish European, 0.000086%; no homozygotes.

Submission:

Labcorp Genetics (formerly Invitae), Labcorp
Classification: Uncertain significance. Last evaluated: 2022-04-09. Review status: criteria provided, single submitter. Criteria: Invitae Variant Classification Sherloc (09022015). Collection method: clinical testing. Allele origin: germline.
Comment: This sequence change replaces isoleucine, which is neutral and non-polar, with leucine, which is neutral and non-polar, at codon 553 of the CLTC protein (p.Ile553Leu). In summary, the available evidence is currently insufficient to determine the role of this variant in disease. Therefore, it has been classified as a Variant of Uncertain Significance. Algorithms developed to predict the effect of missense changes on protein structure and function are either unavailable or do not agree on the potential impact of this missense change (SIFT: "Deleterious"; PolyPhen-2: "Not Available"; Align-GVGD: "Class C0"). This variant has not been reported in the literature in individuals affected with CLTC-related conditions. This variant is present in population databases (no rsID available, gnomAD 0.0009%).

NM_004859.4(CLTC):c.1645A>C (p.Ile549Leu)

Gene: CLTC (clathrin heavy chain; plus strand). Cytogenetic location: 17q23.1.
Variant type: single nucleotide variant.
Coding change: c.1645A>C on transcript NM_004859.4 (MANE Select); coding-DNA position 1645, A replaced by C.
Protein change: p.Ile549Leu; replaces isoleucine 549 with leucine.
Molecular consequence: missense variant.
Genome position (GRCh38, 1-based): chr17:59,666,103, A>C. VCF-style: chr17-59666103-A-C. GRCh37 (hg19) VCF-style: chr17-57743464-A-C.
Other names: c.1657A>C, p.Ile553Leu (NM_001288653.2); short protein forms I549L, I553L.
Identifiers: ClinVar variation 2123551 (VCV002123551.4), dbSNP rs1222344629, ClinGen allele CA400427233.